The following is an entry in ClinVar:

ClinVar aggregate classification (germline): Likely pathogenic (1 of 4 stars; one submission).

Submission:

GeneDx
Classification: Likely pathogenic. Last evaluated: 2023-12-11. Review status: criteria provided, single submitter. Criteria: GeneDx Variant Classification Process June 2021. Collection method: clinical testing. Allele origin: germline. Affected: yes.
Comment: Not observed at significant frequency in large population cohorts (gnomAD); In silico analysis supports that this missense variant has a deleterious effect on protein structure/function; In addition, in silico analysis supports a deleterious effect on splicing; Has not been previously published as pathogenic or benign to our knowledge

NM_000430.4(PAFAH1B1):c.1045G>A (p.Gly349Arg)

Gene: PAFAH1B1 (platelet activating factor acetylhydrolase 1b regulatory subunit 1; plus strand). Cytogenetic location: 17p13.3.
Variant type: single nucleotide variant.
Coding change: c.1045G>A on transcript NM_000430.4 (MANE Select); coding-DNA position 1045, G replaced by A.
Protein change: p.Gly349Arg; replaces glycine 349 with arginine.
Molecular consequence: missense variant.
Genome position (GRCh38, 1-based): chr17:2,680,206, G>A. VCF-style: chr17-2680206-G-A. GRCh37 (hg19) VCF-style: chr17-2583500-G-A.
Other names: short protein forms G349R.
Identifiers: ClinVar variation 3340646 (VCV003340646.1).